The following is an entry in ClinVar:

ClinVar aggregate classification (germline): Likely benign (0 of 4 stars; one submission).

Conditions:
NECTIN2-related disorder. Also called: NECTIN2-related condition.

Allele frequency attached by ClinVar (database versions not stated): ExAC 0.00001; gnomAD 0.00001; TOPMed 0.00002.

Submission:

PreventionGenetics, part of Exact Sciences
Classification: Likely benign for NECTIN2-related condition. Last evaluated: 2019-05-02. Review status: no assertion criteria provided. Collection method: clinical testing. Allele origin: germline.
Comment: This variant is classified as likely benign based on ACMG/AMP sequence variant interpretation guidelines (Richards et al. 2015 PMID: 25741868, with internal and published modifications).

NM_001042724.2(NECTIN2):c.642C>T (p.Ala214=)

Gene: NECTIN2 (nectin cell adhesion molecule 2; plus strand). Cytogenetic location: 19q13.32.
Variant type: single nucleotide variant.
Coding change: c.642C>T on transcript NM_001042724.2 (MANE Select); coding-DNA position 642, C replaced by T.
Protein change: p.Ala214=; no amino-acid change (alanine 214 retained).
Molecular consequence: synonymous variant.
Genome position (GRCh38, 1-based): chr19:44,872,016, C>T. VCF-style: chr19-44872016-C-T. GRCh37 (hg19) VCF-style: chr19-45375273-C-T.
Other names: c.642C>T, p.Ala214= (NM_002856.3).
Identifiers: ClinVar variation 3043785 (VCV003043785.2), dbSNP rs777165380, ClinGen allele CA9505151.
Genomic context (GRCh38, chr19:44,872,016, plus strand): 5'-CTCCTGGCTCTCATCCCTGGACTGGGAAGCCAAAGAGACTCAGGTGTCAGGGACCCTGGC[C>T]GGAACTGTCACTGTCACCAGCCGCTTCACCTTGGTGCCCTCGGGCCGAGCAGATGGTGTC-3'
Protein context (NP_001036189.1, residues 204-224): AKETQVSGTL[Ala214=]GTVTVTSRFT